The following is an entry in ClinVar:

ClinVar aggregate classification (germline): Uncertain significance. Review status: criteria provided, multiple submitters, no conflicts (2 of 4 stars). 2 submissions from 2 submitters: Uncertain significance (2). Last evaluated 2025-11-22.

Conditions:
Aldosterone-producing adenoma with seizures and neurological abnormalities. Also called: Primary aldosteronism, seizures, and neurologic abnormalities. Identifiers: Orphanet 369929, MedGen C3809609, MONDO:0014200, OMIM 615474.

Allele frequency attached by ClinVar (database versions not stated): gnomAD 0.00001; TOPMed 0.00001; gnomAD exomes below 0.00001.
gnomAD v4.1: 3 of 1,613,988 alleles (0.00019%); highest among the groups gnomAD compares: African/African-American, 0.0027%; no homozygotes.

Submissions (2):

Labcorp Genetics (formerly Invitae), Labcorp
Classification: Uncertain significance. Last evaluated: 2025-11-22. Review status: criteria provided, single submitter. Criteria: Invitae Variant Classification Sherloc (09022015). Collection method: clinical testing. Allele origin: germline.
Comment: This sequence change replaces serine, which is neutral and polar, with phenylalanine, which is neutral and non-polar, at codon 742 of the CACNA1D protein (p.Ser742Phe). This variant is present in population databases (no rsID available, gnomAD 0.007%). This variant has not been reported in the literature in individuals affected with CACNA1D-related conditions. ClinVar contains an entry for this variant (Variation ID: 983343). An algorithm developed to predict the effect of missense changes on protein structure and function (PolyPhen-2) suggests that this variant is likely to be disruptive. In summary, the available evidence is currently insufficient to determine the role of this variant in disease. Therefore, it has been classified as a Variant of Uncertain Significance.

New York Genome Center
Classification: Uncertain significance for Aldosterone-producing adenoma with seizures and neurological abnormalities. Last evaluated: 2022-01-07. Review status: criteria provided, single submitter. Criteria: NYGC Assertion Criteria 2020. Collection method: clinical testing. Allele origin: inherited. Observed: 1 heterozygote. Study: CSER-NYCKidSeq.

NM_001128840.3(CACNA1D):c.2165C>T (p.Ser722Phe)

Gene: CACNA1D (calcium voltage-gated channel subunit alpha1 D; plus strand). Cytogenetic location: 3p21.1.
Variant type: single nucleotide variant.
Coding change: c.2165C>T on transcript NM_001128840.3 (MANE Select); coding-DNA position 2165, C replaced by T.
Protein change: p.Ser722Phe; replaces serine 722 with phenylalanine.
Molecular consequence: missense variant.
Genome position (GRCh38, 1-based): chr3:53,726,943, C>T. VCF-style: chr3-53726943-C-T. GRCh37 (hg19) VCF-style: chr3-53760970-C-T.
Other names: c.2225C>T, p.Ser742Phe (NM_000720.4); c.2165C>T, p.Ser722Phe (NM_001128839.3); short protein forms S722F, S742F.
Identifiers: ClinVar variation 983343 (VCV000983343.6), dbSNP rs1203607570, ClinGen allele CA353239022.
Genomic context (GRCh38, chr3:53,726,943, plus strand): 5'-TGACAGGCGAAGACTGGAATGCTGTGATGTACGATGGCATCATGGCTTACGGGGGCCCAT[C>T]CTCTTCAGGAATGATCGTCTGCATCTACTTCATCATCCTCTTCATTTGTGGTAACTGTAT-3'
Protein context (NP_001122312.1, residues 712-732): YDGIMAYGGP[Ser722Phe]SSGMIVCIYF